The following is an entry in ClinVar:

NM_000478.6(ALPL):c.1424A>G (p.His475Arg)

Gene: ALPL (alkaline phosphatase, biomineralization associated; plus strand). Cytogenetic location: 1p36.12.
Variant type: single nucleotide variant.
Coding change: c.1424A>G on transcript NM_000478.6 (MANE Select); coding-DNA position 1424, A replaced by G.
Protein change: p.His475Arg; replaces histidine 475 with arginine.
Molecular consequence: missense variant.
Genome position (GRCh38, 1-based): chr1:21,577,497, A>G. VCF-style: chr1-21577497-A-G. GRCh37 (hg19) VCF-style: chr1-21903990-A-G.
Other names: c.1259A>G, p.His420Arg (NM_001127501.4); c.1193A>G, p.His398Arg (NM_001177520.3); c.1424A>G, p.His475Arg (NM_001369803.2, NM_001369804.2, NM_001369805.2); short protein forms H420R, H475R, H398R.
Identifiers: ClinVar variation 4716660 (VCV004716660.1).

ClinVar aggregate classification (germline): Uncertain significance (1 of 4 stars; one submission).

Submission:

Labcorp Genetics (formerly Invitae), Labcorp
Classification: Uncertain significance. Last evaluated: 2025-07-29. Review status: criteria provided, single submitter. Criteria: Invitae Variant Classification Sherloc (09022015). Collection method: clinical testing. Allele origin: germline.
Comment: This sequence change replaces histidine, which is basic and polar, with arginine, which is basic and polar, at codon 475 of the ALPL protein (p.His475Arg). This variant is present in population databases (no rsID available, gnomAD 0.0009%). This variant has not been reported in the literature in individuals affected with ALPL-related conditions. Invitae Evidence Modeling of protein sequence and biophysical properties (such as structural, functional, and spatial information, amino acid conservation, physicochemical variation, residue mobility, and thermodynamic stability) indicates that this missense variant is expected to disrupt ALPL protein function with a positive predictive value of 95%. In summary, the available evidence is currently insufficient to determine the role of this variant in disease. Therefore, it has been classified as a Variant of Uncertain Significance.